The following is an entry in ClinVar:

NM_000444.6(PHEX):c.766_767dup (p.Ala257fs)

Gene: PHEX (phosphate regulating endopeptidase X-linked; plus strand). Cytogenetic location: Xp22.11.
Variant type: Duplication.
Coding change: c.766_767dup on transcript NM_000444.6 (MANE Select); coding-DNA positions 766 to 767, 2 bases duplicated (AC; older notation c.766_767dupAC).
Protein change: p.Ala257fs; shifts the reading frame from alanine 257.
Molecular consequence: frameshift variant.
Genome position (GRCh38, 1-based): chrX:22,094,016-22,094,017, AC duplicated. VCF-style (leftmost placement, unchanged base first): chrX-22094015-T-TAC. GRCh37 (hg19) VCF-style: chrX-22112133-T-TAC.
Other names: c.766_767dup, p.Ala257fs (NM_001282754.2); short protein forms A257fs.
Identifiers: ClinVar variation 862154 (VCV000862154.7), dbSNP rs1930020467, ClinGen allele CA916083870.

ClinVar aggregate classification (germline): Pathogenic (1 of 4 stars; one submission).

Submission:

Labcorp Genetics (formerly Invitae), Labcorp
Classification: Pathogenic. Last evaluated: 2025-05-26. Review status: criteria provided, single submitter. Criteria: Invitae Variant Classification Sherloc (09022015). Collection method: clinical testing. Allele origin: germline.
Comment: This sequence change creates a premature translational stop signal (p.Ala257Leufs*5) in the PHEX gene. It is expected to result in an absent or disrupted protein product. Loss-of-function variants in PHEX are known to be pathogenic (PMID: 9097956, 9106524, 19219621). This variant is not present in population databases (gnomAD no frequency). This variant has not been reported in the literature in individuals affected with PHEX-related conditions. ClinVar contains an entry for this variant (Variation ID: 862154). For these reasons, this variant has been classified as Pathogenic.

Literature cited by the submitters: PubMed 9097956; PubMed 9106524; PubMed 19219621.